The following is an entry in ClinVar:

NM_001928.4(CFD):c.112C>T (p.Pro38Ser)

Gene: CFD (complement factor D; plus strand). Cytogenetic location: 19p13.3.
Variant type: single nucleotide variant.
Coding change: c.112C>T on transcript NM_001928.4 (MANE Select); coding-DNA position 112, C replaced by T.
Protein change: p.Pro38Ser; replaces proline 38 with serine.
Molecular consequence: missense variant.
Genome position (GRCh38, 1-based): chr19:860,673, C>T. VCF-style: chr19-860673-C-T. GRCh37 (hg19) VCF-style: chr19-860673-C-T.
Other names: c.133C>T, p.Pro45Ser (NM_001317335.2); short protein forms P38S, P45S.
Identifiers: ClinVar variation 1977660 (VCV001977660.6), dbSNP rs1409841014, ClinGen allele CA402920625.

ClinVar aggregate classification (germline): Uncertain significance. Review status: criteria provided, multiple submitters, no conflicts (2 of 4 stars). 2 submissions from 2 submitters: Uncertain significance (2). Last evaluated 2022-06-04.

Allele frequency attached by ClinVar (database versions not stated): gnomAD exomes 0.00002.

Submissions (2):

Labcorp Genetics (formerly Invitae), Labcorp
Classification: Uncertain significance. Last evaluated: 2022-06-04. Review status: criteria provided, single submitter. Criteria: Invitae Variant Classification Sherloc (09022015). Collection method: clinical testing. Allele origin: germline.
Comment: In summary, the available evidence is currently insufficient to determine the role of this variant in disease. Therefore, it has been classified as a Variant of Uncertain Significance. Algorithms developed to predict the effect of missense changes on protein structure and function are either unavailable or do not agree on the potential impact of this missense change (SIFT: "Not Available"; PolyPhen-2: "Probably Damaging"; Align-GVGD: "Not Available"). This variant has not been reported in the literature in individuals affected with CFD-related conditions. The frequency data for this variant in the population databases is considered unreliable, as metrics indicate poor data quality at this position in the gnomAD database. This sequence change replaces proline, which is neutral and non-polar, with serine, which is neutral and polar, at codon 38 of the CFD protein (p.Pro38Ser).

Blueprint Genetics
Classification: Uncertain significance. Last evaluated: 2019-01-23. Review status: criteria provided, single submitter. Criteria: ACMG Guidelines, 2015. Collection method: clinical testing. Allele origin: germline.